The following is an entry in ClinVar:

ClinVar aggregate classification (germline): Pathogenic/Likely pathogenic. Review status: criteria provided, multiple submitters, no conflicts (2 of 4 stars). 4 submissions from 4 submitters: Pathogenic (3); Likely pathogenic (1). Last evaluated 2025-09-16.

Conditions:
QARS-related disorders.
Diffuse cerebral and cerebellar atrophy - intractable seizures - progressive microcephaly syndrome. Also called: Microcephaly, progressive, with seizures and cerebral and cerebellar atrophy. Identifiers: Orphanet 404437, MedGen C4014239, MONDO:0014335, OMIM 615760.

Allele frequency attached by ClinVar (database versions not stated): ExAC 0.00001; gnomAD exomes 0.00001; TOPMed 0.00001; gnomAD 0.00003 and 0.00004.
gnomAD v4.1: 15 of 1,614,070 alleles (0.00093%); highest among the groups gnomAD compares: Admixed American, 0.0017%; no homozygotes.

Submissions (4):

First Genomix Gene Laboratory, Genetic Diagnostics Department
Classification: Pathogenic for Diffuse cerebral and cerebellar atrophy - intractable seizures - progressive microcephaly syndrome. Last evaluated: 2025-09-16. Review status: criteria provided, single submitter. Criteria: ACMG Guidelines, 2015. Collection method: clinical testing. Allele origin: germline. Inheritance: Autosomal recessive inheritance. Affected: no. Observed: 1 variant allele.

Labcorp Genetics (formerly Invitae), Labcorp
Classification: Pathogenic for Diffuse cerebral and cerebellar atrophy - intractable seizures - progressive microcephaly syndrome. Last evaluated: 2024-03-28. Review status: criteria provided, single submitter. Criteria: Invitae Variant Classification Sherloc (09022015). Collection method: clinical testing. Allele origin: germline.
Comment: This sequence change creates a premature translational stop signal (p.Arg523*) in the QARS gene. It is expected to result in an absent or disrupted protein product. Loss-of-function variants in QARS are known to be pathogenic (PMID: 24656866, 25471517). This variant is present in population databases (rs767667312, gnomAD 0.002%). This variant has not been reported in the literature in individuals affected with QARS-related conditions. ClinVar contains an entry for this variant (Variation ID: 566178). For these reasons, this variant has been classified as Pathogenic.

Institute of Human Genetics, University of Leipzig Medical Center
Classification: Pathogenic for Diffuse cerebral and cerebellar atrophy - intractable seizures - progressive microcephaly syndrome. Last evaluated: 2022-01-17. Review status: criteria provided, single submitter. Criteria: ACMG Guidelines, 2015. Collection method: clinical testing. Allele origin: paternal. Affected: yes.
Comment: _x000D_This variant was identified as compound heterozygous with NM_005051.3:c.1132C>T. Criteria applied: PVS1, PM3, PM2_SUP

Blueprint Genetics
Classification: Likely pathogenic for QARS-related disorders. Last evaluated: 2020-05-04. Review status: criteria provided, single submitter. Criteria: ACMG Guidelines, 2015. Collection method: clinical testing. Allele origin: germline. Affected: yes. Observed: 2 variant alleles.

Literature cited by the submitters: PubMed 24656866 (cited by Labcorp Genetics (formerly Invitae), Labcorp); PubMed 25471517 (cited by Labcorp Genetics (formerly Invitae), Labcorp).

NM_005051.3(QARS1):c.1567C>T (p.Arg523Ter)

Gene: QARS1 (glutaminyl-tRNA synthetase 1; minus strand). Cytogenetic location: 3p21.31.
Variant type: single nucleotide variant.
Coding change: c.1567C>T on transcript NM_005051.3 (MANE Select); coding-DNA position 1567, C replaced by T.
Protein change: p.Arg523Ter; replaces arginine 523 with a stop codon.
Molecular consequence: nonsense. On other transcripts: non-coding transcript variant (1).
Genome position (GRCh38, 1-based): chr3:49,099,391, G>A on the plus strand (C>T on the coding strand, the complement: QARS1 is on the minus strand). VCF-style: chr3-49099391-G-A. GRCh37 (hg19) VCF-style: chr3-49136824-G-A.
Other names: c.1534C>T, p.Arg512Ter (NM_001272073.2); short protein forms R523*, R512*.
Identifiers: ClinVar variation 566178 (VCV000566178.9), dbSNP rs767667312, ClinGen allele CA2391705.